The following is an entry in ClinVar:

ClinVar aggregate classification (germline): Uncertain significance (1 of 4 stars; one submission).

Conditions:
Congenital myasthenic syndrome 5. Identifiers: Orphanet 590, MedGen C1864233, MONDO:0011281, OMIM 603034.

Submission:

Labcorp Genetics (formerly Invitae), Labcorp
Classification: Uncertain significance for Congenital myasthenic syndrome 5. Last evaluated: 2022-11-15. Review status: criteria provided, single submitter. Criteria: Invitae Variant Classification Sherloc (09022015). Collection method: clinical testing. Allele origin: germline.
Comment: In summary, the available evidence is currently insufficient to determine the role of this variant in disease. Therefore, it has been classified as a Variant of Uncertain Significance. This variant disrupts a region of the COLQ protein in which other variant(s) (p.Arg341Gly) have been observed in individuals with COLQ-related conditions (PMID: 18180250). This suggests that this is a clinically significant region of the protein, and that variants that disrupt it are likely to be disease-causing. This variant has not been reported in the literature in individuals affected with COLQ-related conditions. This variant is a gross deletion of the genomic region encompassing exon(s) 13-15 of the COLQ gene. This variant would be expected to be in-frame, preserving the integrity of the reading frame.

Literature cited by the submitters: PubMed 18180250.

NC_000003.11:g.(?_15497396)_(15499842_?)del

Gene: COLQ (collagen like tail subunit of asymmetric acetylcholinesterase; minus strand). Cytogenetic location: 3p25.1.
Variant type: Deletion.
Identifiers: ClinVar variation 1023286 (VCV001023286.5).